The following is an entry in ClinVar:

NM_018706.7(DHTKD1):c.152C>A (p.Pro51Gln)

Genes: DHTKD1 (dehydrogenase E1 and transketolase domain containing 1; plus strand), LOC130003343 (ATAC-STARR-seq lymphoblastoid silent region 2137; plus strand). Cytogenetic location: 10p14.
Variant type: single nucleotide variant.
Coding change: c.152C>A on transcript NM_018706.7 (MANE Select); coding-DNA position 152, C replaced by A.
Protein change: p.Pro51Gln; replaces proline 51 with glutamine.
Molecular consequence: missense variant.
Genome position (GRCh38, 1-based): chr10:12,069,185, C>A. VCF-style: chr10-12069185-C-A. GRCh37 (hg19) VCF-style: chr10-12111184-C-A.
Other names: c.152C>A (NM_018706.5); short protein forms P51Q.
Identifiers: ClinVar variation 1964940 (VCV001964940.6), dbSNP rs768842115, ClinGen allele CA5407446.

ClinVar aggregate classification (germline): Uncertain significance. Review status: criteria provided, multiple submitters, no conflicts (2 of 4 stars). 2 submissions from 2 submitters: Uncertain significance (2). Last evaluated 2025-08-06.

Conditions:
Inborn genetic diseases. Identifiers: MedGen C0950123, MeSH D030342.
2-aminoadipic 2-oxoadipic aciduria (AAKAD). Also called: Aminoadipic aciduria; ALPHA-AMINOADIPIC AND ALPHA-KETOADIPIC ACIDURIA. Identifiers: Orphanet 79154, MedGen C1859817, MONDO:0008774, OMIM 204750.

Allele frequency attached by ClinVar (database versions not stated): TOPMed below 0.00001.
gnomAD v4.1: 2 of 1,547,362 alleles (0.00013%); highest among the groups gnomAD compares: East Asian, 0.0025%; no homozygotes.

Submissions (2):

Ambry Genetics
Classification: Uncertain significance for Inborn genetic diseases. Last evaluated: 2025-08-06. Review status: criteria provided, single submitter. Criteria: Ambry Variant Classification Scheme 2023. Collection method: clinical testing. Allele origin: germline.

Labcorp Genetics (formerly Invitae), Labcorp
Classification: Uncertain significance for 2-aminoadipic 2-oxoadipic aciduria. Last evaluated: 2024-10-24. Review status: criteria provided, single submitter. Criteria: Invitae Variant Classification Sherloc (09022015). Collection method: clinical testing. Allele origin: germline.
Comment: This sequence change replaces proline, which is neutral and non-polar, with glutamine, which is neutral and polar, at codon 51 of the DHTKD1 protein (p.Pro51Gln). The frequency data for this variant in the population databases is considered unreliable, as metrics indicate poor data quality at this position in the gnomAD database. This variant has not been reported in the literature in individuals affected with DHTKD1-related conditions. ClinVar contains an entry for this variant (Variation ID: 1964940). An algorithm developed to predict the effect of missense changes on protein structure and function (PolyPhen-2) suggests that this variant is likely to be tolerated. In summary, the available evidence is currently insufficient to determine the role of this variant in disease. Therefore, it has been classified as a Variant of Uncertain Significance.